The following is an entry in ClinVar:

NM_001174089.2(SLC4A11):c.671G>T (p.Trp224Leu)

Gene: SLC4A11 (solute carrier family 4 member 11; minus strand). Cytogenetic location: 20p13.
Variant type: single nucleotide variant.
Coding change: c.671G>T on transcript NM_001174089.2 (MANE Select); coding-DNA position 671, G replaced by T.
Protein change: p.Trp224Leu; replaces tryptophan 224 with leucine.
Molecular consequence: missense variant. On other transcripts: non-coding transcript variant (3).
Genome position (GRCh38, 1-based): chr20:3,233,572, C>A on the plus strand (G>T on the coding strand, the complement: SLC4A11 is on the minus strand). VCF-style: chr20-3233572-C-A. GRCh37 (hg19) VCF-style: chr20-3214218-C-A.
Other names: c.800G>T, p.Trp267Leu (NM_001174090.2, NM_001400280.1); c.671G>T, p.Trp224Leu (NM_001363745.2); c.614G>T, p.Trp205Leu (NM_001400277.1, NM_001400278.1, NM_001400279.1); c.719G>T, p.Trp240Leu (NM_032034.4); short protein forms W224L, W205L, W240L, W267L.
Identifiers: ClinVar variation 2536661 (VCV002536661.3), dbSNP rs746532062, ClinGen allele CA9742176.

ClinVar aggregate classification (germline): Uncertain significance. Review status: criteria provided, multiple submitters, no conflicts (2 of 4 stars). 2 submissions from 2 submitters: Uncertain significance (2). Last evaluated 2026-01-08.

Conditions:
Inborn genetic diseases. Identifiers: MedGen C0950123, MeSH D030342.

Allele frequency attached by ClinVar (database versions not stated): ExAC 0.00002.
gnomAD v4.1: 28 of 1,613,676 alleles (0.0017%); highest among the groups gnomAD compares: Admixed American, 0.012%; no homozygotes.

Submissions (2):

Labcorp Genetics (formerly Invitae), Labcorp
Classification: Uncertain significance. Last evaluated: 2026-01-08. Review status: criteria provided, single submitter. Criteria: Invitae Variant Classification Sherloc (09022015). Collection method: clinical testing. Allele origin: germline.
Comment: This sequence change replaces tryptophan, which is neutral and slightly polar, with leucine, which is neutral and non-polar, at codon 240 of the SLC4A11 protein (p.Trp240Leu). This variant is present in population databases (rs746532062, gnomAD 0.02%). This variant has not been reported in the literature in individuals affected with SLC4A11-related conditions. ClinVar contains an entry for this variant (Variation ID: 2536661). Invitae Evidence Modeling of protein sequence and biophysical properties (such as structural, functional, and spatial information, amino acid conservation, physicochemical variation, residue mobility, and thermodynamic stability) has been performed for this missense variant. However, the output from this modeling did not meet the statistical confidence thresholds required to predict the impact of this variant on SLC4A11 protein function. In summary, the available evidence is currently insufficient to determine the role of this variant in disease. Therefore, it has been classified as a Variant of Uncertain Significance.

Ambry Genetics
Classification: Uncertain significance for Inborn genetic diseases. Last evaluated: 2023-04-13. Review status: criteria provided, single submitter. Criteria: Ambry Variant Classification Scheme 2023. Collection method: clinical testing. Allele origin: germline.